The following is an entry in ClinVar:

NM_019032.6(ADAMTSL4):c.1799C>T (p.Ser600Phe)

Genes: ADAMTSL4 (ADAMTS like 4; plus strand), ADAMTSL4-AS2 (ADAMTSL4 antisense RNA 2; minus strand). Cytogenetic location: 1q21.2.
Variant type: single nucleotide variant.
Coding change: c.1799C>T on transcript NM_019032.6 (MANE Select); coding-DNA position 1799, C replaced by T.
Protein change: p.Ser600Phe; replaces serine 600 with phenylalanine.
Molecular consequence: missense variant. On other transcripts: intron variant (1).
Genome position (GRCh38, 1-based): chr1:150,556,988, C>T. VCF-style: chr1-150556988-C-T. GRCh37 (hg19) VCF-style: chr1-150529464-C-T.
Other names: c.1868C>T, p.Ser623Phe (NM_001288608.2); c.1799C>T, p.Ser600Phe (NM_001378596.1, NM_025008.5); c.1856+12C>T (NM_001288607.2); short protein forms S600F, S623F.
Identifiers: ClinVar variation 2082665 (VCV002082665.3), dbSNP rs1013974749, ClinGen allele CA30071128.

ClinVar aggregate classification (germline): Uncertain significance (1 of 4 stars; one submission).

Allele frequency attached by ClinVar (database versions not stated): gnomAD exomes 0.00001; gnomAD 0.00002.
gnomAD v4.1: 10 of 1,614,138 alleles (0.00062%); highest among the groups gnomAD compares: Admixed American, 0.017%; 1 homozygote.

Submission:

Labcorp Genetics (formerly Invitae), Labcorp
Classification: Uncertain significance. Last evaluated: 2025-01-13. Review status: criteria provided, single submitter. Criteria: Invitae Variant Classification Sherloc (09022015). Collection method: clinical testing. Allele origin: germline.
Comment: This sequence change replaces serine, which is neutral and polar, with phenylalanine, which is neutral and non-polar, at codon 600 of the ADAMTSL4 protein (p.Ser600Phe). This variant is present in population databases (no rsID available, gnomAD 0.02%). This variant has not been reported in the literature in individuals affected with ADAMTSL4-related conditions. ClinVar contains an entry for this variant (Variation ID: 2082665). Invitae Evidence Modeling of protein sequence and biophysical properties (such as structural, functional, and spatial information, amino acid conservation, physicochemical variation, residue mobility, and thermodynamic stability) indicates that this missense variant is not expected to disrupt ADAMTSL4 protein function with a negative predictive value of 80%. In summary, the available evidence is currently insufficient to determine the role of this variant in disease. Therefore, it has been classified as a Variant of Uncertain Significance.